The following is an entry in ClinVar:

ClinVar aggregate classification (germline): Benign/Likely benign. Review status: criteria provided, multiple submitters, no conflicts (2 of 4 stars). 9 submissions from 9 submitters: Benign (6); Likely benign (1). 2 of the submissions do not count toward it. Last evaluated 2026-02-04.

Conditions:
Primary ciliary dyskinesia. Also called: Ciliary dyskinesia. Identifiers: Orphanet 244, MedGen C0008780, MONDO:0016575, HP:0012265.
Primary ciliary dyskinesia 7. Also called: CILIARY DYSKINESIA, PRIMARY, 7, WITH OR WITHOUT SITUS INVERSUS. Identifiers: Orphanet 244, MedGen C2678473, MONDO:0012748, OMIM 611884.

Allele frequency attached by ClinVar (database versions not stated): 1000 Genomes Project 0.63438; 1000 Genomes Project 30x 0.63507; TOPMed 0.70526; gnomAD 0.71844 and 0.72158; gnomAD exomes 0.72110; ExAC 0.72554; ESP Exome Variant Server 0.75771.
gnomAD v4.1: 1,257,447 of 1,613,306 alleles (78%); highest among the groups gnomAD compares: Non-Finnish European, 82%; 496,202 homozygotes.

Submissions (9):

Labcorp Genetics (formerly Invitae), Labcorp
Classification: Benign for Primary ciliary dyskinesia. Last evaluated: 2026-02-04. Review status: criteria provided, single submitter. Criteria: Invitae Variant Classification Sherloc (09022015). Collection method: clinical testing. Allele origin: germline.

Blueprint Genetics
Classification: Likely benign. Last evaluated: 2024-11-27. Review status: criteria provided, single submitter. Criteria: ACMG Guidelines, 2015. Collection method: clinical testing. Allele origin: germline.

Mayo Clinic Laboratories, Mayo Clinic
Classification: Benign. Last evaluated: 2022-04-26. Review status: criteria provided, single submitter. Criteria: ACMG Guidelines, 2015. Collection method: clinical testing. Allele origin: germline. Observed: 189 variant alleles.

Genome-Nilou Lab
Classification: Benign for Primary ciliary dyskinesia 7. Last evaluated: 2021-07-30. Review status: criteria provided, single submitter. Criteria: ACMG Guidelines, 2015. Collection method: clinical testing. Allele origin: germline. Affected: no.

GeneDx
Classification: Benign. Last evaluated: 2018-11-10. Review status: criteria provided, single submitter. Criteria: GeneDx Variant Classification Process June 2021. Collection method: clinical testing. Allele origin: germline. Affected: yes.

Laboratory for Molecular Medicine, Mass General Brigham Personalized Medicine
Classification: Benign. Last evaluated: 2013-02-21. Review status: criteria provided, single submitter. Criteria: LMM Criteria. Collection method: clinical testing. Allele origin: germline. Observed: 101 variant alleles.
Comment: His3766His in exon 69 of DNAH11: This variant is not expected to have clinical s ignificance because it does not alter an amino acid residue and is not located w ithin the splice consensus sequence. It has been identified in 38.0% (1553/4084) of African American chromosomes from a broad population by the NHLBI Exome Sequ encing Project (dbSNP rs4722067).

PreventionGenetics, part of Exact Sciences
Classification: Benign. Review status: criteria provided, single submitter. Criteria: ACMG Guidelines, 2015. Collection method: clinical testing. Allele origin: germline.

Clinical Genetics DNA and cytogenetics Diagnostics Lab, Erasmus MC, Erasmus Medical Center
Classification: Benign. Review status: no assertion criteria provided. Collection method: clinical testing. Allele origin: germline. Affected: yes. Study: VKGL Data-share Consensus. Not counted in ClinVar's aggregate classification.

Diagnostic Laboratory, Department of Genetics, University Medical Center Groningen
Classification: Benign. Review status: no assertion criteria provided. Collection method: clinical testing. Allele origin: germline. Affected: yes. Study: VKGL Data-share Consensus. Not counted in ClinVar's aggregate classification.

NM_001277115.2(DNAH11):c.11298T>C (p.His3766=)

Gene: DNAH11 (dynein axonemal heavy chain 11; plus strand). Cytogenetic location: 7p15.3.
Variant type: single nucleotide variant.
Coding change: c.11298T>C on transcript NM_001277115.2 (MANE Select); coding-DNA position 11298, T replaced by C.
Protein change: p.His3766=; no amino-acid change (histidine 3766 retained).
Molecular consequence: synonymous variant.
Genome position (GRCh38, 1-based): chr7:21,861,948, T>C. VCF-style: chr7-21861948-T-C. GRCh37 (hg19) VCF-style: chr7-21901566-T-C.
Other names: p.His3766=.
Identifiers: ClinVar variation 163126 (VCV000163126.30), dbSNP rs4722067, ClinGen allele CA175757.